The following is an entry in ClinVar:

ClinVar aggregate classification (germline): Uncertain significance. Review status: criteria provided, multiple submitters, no conflicts (2 of 4 stars). 2 submissions from 2 submitters: Uncertain significance (2). Last evaluated 2025-08-18.

Conditions:
Hereditary cancer-predisposing syndrome. Also called: Hereditary Cancer Syndrome; Hereditary neoplastic syndrome; Neoplastic Syndromes, Hereditary; Tumor predisposition. Identifiers: Orphanet 140162, MedGen C0027672, MeSH D009386, MONDO:0015356.
Hereditary nonpolyposis colorectal neoplasms. Identifiers: MedGen C0009405, MeSH D003123.

Submissions (2):

Ambry Genetics
Classification: Uncertain significance for Hereditary cancer-predisposing syndrome. Last evaluated: 2025-08-18. Review status: criteria provided, single submitter. Criteria: Ambry Variant Classification Scheme 2023. Collection method: clinical testing. Allele origin: germline.
Comment: The p.D1277E variant (also known as c.3831C>G), located in coding exon 9 of the MSH6 gene, results from a C to G substitution at nucleotide position 3831. The aspartic acid at codon 1277 is replaced by glutamic acid, an amino acid with highly similar properties. This amino acid position is highly conserved in available vertebrate species. In addition, the in silico prediction for this alteration is inconclusive. Based on the available evidence, the clinical significance of this variant remains unclear.

Labcorp Genetics (formerly Invitae), Labcorp
Classification: Uncertain significance for Hereditary nonpolyposis colorectal neoplasms. Last evaluated: 2024-04-10. Review status: criteria provided, single submitter. Criteria: Invitae Variant Classification Sherloc (09022015). Collection method: clinical testing. Allele origin: germline.
Comment: This sequence change replaces aspartic acid, which is acidic and polar, with glutamic acid, which is acidic and polar, at codon 1277 of the MSH6 protein (p.Asp1277Glu). This variant is not present in population databases (gnomAD no frequency). This missense change has been observed in individual(s) with breast cancer (PMID: 35449176). ClinVar contains an entry for this variant (Variation ID: 1447538). Advanced modeling of protein sequence and biophysical properties (such as structural, functional, and spatial information, amino acid conservation, physicochemical variation, residue mobility, and thermodynamic stability) performed at Invitae indicates that this missense variant is not expected to disrupt MSH6 protein function with a negative predictive value of 95%. In summary, the available evidence is currently insufficient to determine the role of this variant in disease. Therefore, it has been classified as a Variant of Uncertain Significance.

Literature cited by the submitters: PubMed 35449176 (cited by Labcorp Genetics (formerly Invitae), Labcorp).

NM_000179.3(MSH6):c.3831C>G (p.Asp1277Glu)

Gene: MSH6 (mutS homolog 6; plus strand). Cytogenetic location: 2p16.3.
Variant type: single nucleotide variant.
Coding change: c.3831C>G on transcript NM_000179.3 (MANE Select); coding-DNA position 3831, C replaced by G.
Protein change: p.Asp1277Glu; replaces aspartic acid 1277 with glutamic acid.
Molecular consequence: missense variant.
Genome position (GRCh38, 1-based): chr2:47,806,481, C>G. VCF-style: chr2-47806481-C-G. GRCh37 (hg19) VCF-style: chr2-48033620-C-G.
Other names: c.3441C>G, p.Asp1147Glu (NM_001281492.2); c.2925C>G, p.Asp975Glu (NM_001281493.2, NM_001281494.2); c.3831C>G (NM_000179.2); short protein forms D975E, D1147E, D1277E.
Identifiers: ClinVar variation 1447538 (VCV001447538.9), dbSNP rs775752224, ClinGen allele CA346761276.
Genomic context (GRCh38, chr2:47,806,481, plus strand): 5'-ACATGTATCGCTAATATTTTTCTTTCTTAAGGCATGCATGGTAGAAAATGAATGTGAAGA[C>G]CCCAGCCAGGAGACTATTACGTTCCTCTATAAATTCATTAAGGGAGCTTGTCCTAAAAGC-3'
Protein context (NP_000170.1, residues 1267-1287): MACMVENECE[Asp1277Glu]PSQETITFLY